The following is an entry in ClinVar:

ClinVar aggregate classification (germline): Uncertain significance. Review status: criteria provided, multiple submitters, no conflicts (2 of 4 stars). 2 submissions from 2 submitters: Uncertain significance (2). Last evaluated 2026-01-18.

gnomAD v4.1: 41 of 1,551,594 alleles (0.0026%); highest among the groups gnomAD compares: Middle Eastern, 0.017%; no homozygotes.

Submissions (2):

Labcorp Genetics (formerly Invitae), Labcorp
Classification: Uncertain significance. Last evaluated: 2026-01-18. Review status: criteria provided, single submitter. Criteria: Invitae Variant Classification Sherloc (09022015). Collection method: clinical testing. Allele origin: germline.
Comment: This sequence change replaces glutamine, which is neutral and polar, with glutamic acid, which is acidic and polar, at codon 372 of the WDR87 protein (p.Gln372Glu). This variant is present in population databases (no rsID available, gnomAD 0.08%), and has an allele count higher than expected for a pathogenic variant. This variant has not been reported in the literature in individuals affected with WDR87-related conditions. ClinVar contains an entry for this variant (Variation ID: 3469709). An algorithm developed to predict the effect of missense changes on protein structure and function outputs the following: PolyPhen-2: "Benign". The glutamic acid amino acid residue is found in multiple mammalian species, which suggests that this missense change does not adversely affect protein function. In summary, the available evidence is currently insufficient to determine the role of this variant in disease. Therefore, it has been classified as a Variant of Uncertain Significance.

Ambry Genetics
Classification: Uncertain significance. Last evaluated: 2024-10-12. Review status: criteria provided, single submitter. Criteria: Ambry Variant Classification Scheme 2023. Collection method: clinical testing. Allele origin: germline.

NM_001291088.2(WDR87):c.1231C>G (p.Gln411Glu)

Gene: WDR87 (WD repeat domain 87; minus strand). Cytogenetic location: 19q13.13.
Variant type: single nucleotide variant.
Coding change: c.1231C>G on transcript NM_001291088.2 (MANE Select); coding-DNA position 1231, C replaced by G.
Protein change: p.Gln411Glu; replaces glutamine 411 with glutamic acid.
Molecular consequence: missense variant.
Genome position (GRCh38, 1-based): chr19:37,894,472, G>C on the plus strand (C>G on the coding strand, the complement: WDR87 is on the minus strand). VCF-style: chr19-37894472-G-C. GRCh37 (hg19) VCF-style: chr19-38385112-G-C.
Other names: c.1114C>G, p.Gln372Glu (NM_031951.5); short protein forms Q411E, Q372E.
Identifiers: ClinVar variation 3469709 (VCV003469709.2).
Genomic context (GRCh38, chr19:37,894,472, plus strand): 5'-AGCTGCCTGTTGCTACAAAGAGCTCCTCTTTACCTGGGTCGTAGGCCCAATCCACAGCCT[G>C]GTCCAGGATTGAGAAGGGCCAGGTGATAACCAGAAGGTCCCCTGTTACTGGGGACACAAA-3'
Protein context (NP_001278017.1, residues 401-421): VITWPFSILD[Gln411Glu]AVDWAYDPGK